The following is an entry in ClinVar:

ClinVar aggregate classification (germline): Uncertain significance. Review status: criteria provided, multiple submitters, no conflicts (2 of 4 stars). 2 submissions from 2 submitters: Uncertain significance (2). Last evaluated 2026-07-06.

Conditions:
Hereditary cancer-predisposing syndrome. Also called: Neoplastic Syndromes, Hereditary; Hereditary Cancer Syndrome; Tumor predisposition; Hereditary neoplastic syndrome. Identifiers: Orphanet 140162, MedGen C0027672, MeSH D009386, MONDO:0015356.
Gorlin syndrome. Also called: Nevoid Basal Cell Carcinoma Syndrome; Basal cell nevus syndrome. Identifiers: Orphanet 377, MedGen C0004779, MONDO:0007187.
Medulloblastoma (MDB). Also called: Medulloblastoma, somatic; MEDULLOBLASTOMA PREDISPOSITION SYNDROME. Identifiers: Orphanet 616, MedGen C0025149, MeSH D008527, MONDO:0007959, OMIM 155255, HP:0002885.

Allele frequency attached by ClinVar (database versions not stated): gnomAD 0.00001.
gnomAD v4.1: 1 of 1,613,844 alleles (0.000062%); highest among the groups gnomAD compares: African/African-American, 0.0013%; no homozygotes.

Submissions (2):

Ambry Genetics
Classification: Uncertain significance for Hereditary cancer-predisposing syndrome. Last evaluated: 2026-07-06. Review status: criteria provided, single submitter. Criteria: Ambry Variant Classification Scheme 2023. Collection method: clinical testing. Allele origin: germline.
Comment: The p.Y60H variant (also known as c.178T>C), located in coding exon 1 of the SUFU gene, results from a T to C substitution at nucleotide position 178. The tyrosine at codon 60 is replaced by histidine, an amino acid with similar properties. This amino acid position is conserved. In addition, this alteration is predicted to be deleterious by in silico analysis. Based on the available evidence, the clinical significance of this variant remains unclear.

Labcorp Genetics (formerly Invitae), Labcorp
Classification: Uncertain significance for Gorlin syndrome; Medulloblastoma. Last evaluated: 2024-10-09. Review status: criteria provided, single submitter. Criteria: Invitae Variant Classification Sherloc (09022015). Collection method: clinical testing. Allele origin: germline.
Comment: This sequence change replaces tyrosine, which is neutral and polar, with histidine, which is basic and polar, at codon 60 of the SUFU protein (p.Tyr60His). This variant is not present in population databases (gnomAD no frequency). This variant has not been reported in the literature in individuals affected with SUFU-related conditions. ClinVar contains an entry for this variant (Variation ID: 942132). Invitae Evidence Modeling of protein sequence and biophysical properties (such as structural, functional, and spatial information, amino acid conservation, physicochemical variation, residue mobility, and thermodynamic stability) indicates that this missense variant is not expected to disrupt SUFU protein function with a negative predictive value of 80%. In summary, the available evidence is currently insufficient to determine the role of this variant in disease. Therefore, it has been classified as a Variant of Uncertain Significance.

NM_016169.4(SUFU):c.178T>C (p.Tyr60His)

Gene: SUFU (SUFU negative regulator of hedgehog signaling; plus strand). Cytogenetic location: 10q24.32.
Variant type: single nucleotide variant.
Coding change: c.178T>C on transcript NM_016169.4 (MANE Select); coding-DNA position 178, T replaced by C.
Protein change: p.Tyr60His; replaces tyrosine 60 with histidine.
Molecular consequence: missense variant.
Genome position (GRCh38, 1-based): chr10:102,504,330, T>C. VCF-style: chr10-102504330-T-C. GRCh37 (hg19) VCF-style: chr10-104264087-T-C.
Other names: c.178T>C, p.Tyr60His (NM_001178133.2); short protein forms Y60H.
Identifiers: ClinVar variation 942132 (VCV000942132.11), dbSNP rs2062294197, ClinGen allele CA377886783.
Genomic context (GRCh38, chr10:102,504,330, plus strand): 5'-GAGTGCCGCCGCCTTTACCCTGACCAGCCGAACCCGCTCCAGGTTACCGCTATCGTCAAG[T>C]ACTGGTATGCTCTGGGCCGCGGGGAGACGGACAGGCGCGGGCTGGAAAGGGTTAAAGCGC-3'
Protein context (NP_057253.2, residues 50-70): NPLQVTAIVK[Tyr60His]WLGGPDPLDY